The following is an entry in ClinVar:

NM_032043.3(BRIP1):c.1483T>C (p.Ser495Pro)

Gene: BRIP1 (BRCA1 interacting DNA helicase 1; minus strand). Cytogenetic location: 17q23.2.
Variant type: single nucleotide variant.
Coding change: c.1483T>C on transcript NM_032043.3 (MANE Select); coding-DNA position 1483, T replaced by C.
Protein change: p.Ser495Pro; replaces serine 495 with proline.
Molecular consequence: missense variant.
Genome position (GRCh38, 1-based): chr17:61,784,415, A>G on the plus strand (T>C on the coding strand, the complement: BRIP1 is on the minus strand). VCF-style: chr17-61784415-A-G. GRCh37 (hg19) VCF-style: chr17-59861776-A-G.
Other names: short protein forms S495P.
Identifiers: ClinVar variation 461075 (VCV000461075.12), dbSNP rs1555603617, ClinGen allele CA400481745.
Genomic context (GRCh38, chr17:61,784,415, plus strand): 5'-CTCTTGCCTCCTCTTTACCATAAATTGGTGAGATTTTTTCCTCTTTTTGAAGAACAGCAG[A>G]AAAATGTCCCTATAAGAAATTACCATATTAAGTATAGAGGGGTTGGGAGGGAATTGGAAA-3'
Protein context (NP_114432.2, residues 485-505): ATFPILQGHF[Ser495Pro]AVLQKEEKIS

ClinVar aggregate classification (germline): Uncertain significance. Review status: criteria provided, multiple submitters, no conflicts (2 of 4 stars). 3 submissions from 3 submitters: Uncertain significance (3). Last evaluated 2024-11-15.

Conditions:
Hereditary cancer-predisposing syndrome. Also called: Hereditary neoplastic syndrome; Neoplastic Syndromes, Hereditary; Tumor predisposition; Hereditary Cancer Syndrome. Identifiers: Orphanet 140162, MedGen C0027672, MeSH D009386, MONDO:0015356.
Fanconi anemia complementation group J. Also called: BRIP1-Related Fanconi Anemia. Identifiers: Orphanet 84, MedGen C1836860, MONDO:0012187, OMIM 609054.
Familial cancer of breast. Also called: BREAST CANCER, FAMILIAL; hereditary breast carcinoma; Hereditary breast cancer. Identifiers: Orphanet 227535, MedGen C0346153, MONDO:0016419, OMIM 114480. Disease mechanism: loss of function.

Allele frequency attached by ClinVar (database versions not stated): TOPMed below 0.00001; gnomAD 0.00001.
gnomAD v4.1: 1 of 1,612,496 alleles (0.000062%); highest among the groups gnomAD compares: African/African-American, 0.0013%; no homozygotes.

Submissions (3):

Labcorp Genetics (formerly Invitae), Labcorp
Classification: Uncertain significance for Familial cancer of breast; Fanconi anemia complementation group J. Last evaluated: 2024-11-15. Review status: criteria provided, single submitter. Criteria: Invitae Variant Classification Sherloc (09022015). Collection method: clinical testing. Allele origin: germline.
Comment: This sequence change replaces serine, which is neutral and polar, with proline, which is neutral and non-polar, at codon 495 of the BRIP1 protein (p.Ser495Pro). This variant is not present in population databases (gnomAD no frequency). This variant has not been reported in the literature in individuals affected with BRIP1-related conditions. ClinVar contains an entry for this variant (Variation ID: 461075). Invitae Evidence Modeling of protein sequence and biophysical properties (such as structural, functional, and spatial information, amino acid conservation, physicochemical variation, residue mobility, and thermodynamic stability) has been performed for this missense variant. However, the output from this modeling did not meet the statistical confidence thresholds required to predict the impact of this variant on BRIP1 protein function. In summary, the available evidence is currently insufficient to determine the role of this variant in disease. Therefore, it has been classified as a Variant of Uncertain Significance.

Ambry Genetics
Classification: Uncertain significance for Hereditary cancer-predisposing syndrome. Last evaluated: 2024-06-28. Review status: criteria provided, single submitter. Criteria: Ambry Variant Classification Scheme 2023. Collection method: clinical testing. Allele origin: germline.
Comment: The p.S495P variant (also known as c.1483T>C), located in coding exon 10 of the BRIP1 gene, results from a T to C substitution at nucleotide position 1483. The serine at codon 495 is replaced by proline, an amino acid with similar properties. This amino acid position is conserved. In addition, the in silico prediction for this alteration is inconclusive. Since supporting evidence is limited at this time, the clinical significance of this alteration remains unclear.

Baylor Genetics
Classification: Uncertain significance for Familial cancer of breast. Last evaluated: 2024-02-29. Review status: criteria provided, single submitter. Criteria: ACMG Guidelines, 2015. Collection method: clinical testing. Allele origin: unknown.